The following is an entry in ClinVar:

ClinVar aggregate classification (germline): Uncertain significance (1 of 4 stars; one submission).

Conditions:
Polyglucosan body myopathy type 2. Identifiers: Orphanet 456369, MedGen C4015452, MONDO:0014526, OMIM 616199.
Glycogen storage disease XV (GSD15). Also called: GLYCOGENIN DEFICIENCY; GSD XV. Identifiers: Orphanet 263297, MedGen C3150754, MONDO:0013291, OMIM 613507.

Allele frequency attached by ClinVar (database versions not stated): gnomAD exomes below 0.00001.
gnomAD v4.1: 6 of 1,613,588 alleles (0.00037%); highest among the groups gnomAD compares: Non-Finnish European, 0.00051%; no homozygotes.

Submission:

Labcorp Genetics (formerly Invitae), Labcorp
Classification: Uncertain significance for Polyglucosan body myopathy type 2; Glycogen storage disease XV. Last evaluated: 2021-08-27. Review status: criteria provided, single submitter. Criteria: Invitae Variant Classification Sherloc (09022015). Collection method: clinical testing. Allele origin: germline.
Comment: In summary, the available evidence is currently insufficient to determine the role of this variant in disease. Therefore, it has been classified as a Variant of Uncertain Significance. Algorithms developed to predict the effect of missense changes on protein structure and function are either unavailable or do not agree on the potential impact of this missense change (SIFT: "Tolerated"; PolyPhen-2: "Probably Damaging"; Align-GVGD: "Class C0"). This variant has not been reported in the literature in individuals affected with GYG1-related conditions. This variant is not present in population databases (ExAC no frequency). This sequence change replaces proline with serine at codon 124 of the GYG1 protein (p.Pro124Ser). The proline residue is highly conserved and there is a moderate physicochemical difference between proline and serine.

NM_004130.4(GYG1):c.370C>T (p.Pro124Ser)

Gene: GYG1 (glycogenin 1; plus strand). Cytogenetic location: 3q24.
Variant type: single nucleotide variant.
Coding change: c.370C>T on transcript NM_004130.4 (MANE Select); coding-DNA position 370, C replaced by T.
Protein change: p.Pro124Ser; replaces proline 124 with serine.
Molecular consequence: missense variant.
Genome position (GRCh38, 1-based): chr3:148,996,793, C>T. VCF-style: chr3-148996793-C-T. GRCh37 (hg19) VCF-style: chr3-148714580-C-T.
Other names: c.370C>T, p.Pro124Ser (NM_001184720.2, NM_001184721.2); short protein forms P124S.
Identifiers: ClinVar variation 1402899 (VCV001402899.6), dbSNP rs1712821278, ClinGen allele CA354903195.